The following is an entry in ClinVar:

ClinVar aggregate classification (germline): Pathogenic. Review status: criteria provided, multiple submitters, no conflicts (2 of 4 stars). 2 submissions from 2 submitters: Pathogenic (2). Last evaluated 2024-02-05.

Conditions:
Wilson disease (WND). Also called: Wilson's disease. Identifiers: Orphanet 905, MedGen C0019202, MONDO:0010200, OMIM 277900. Disease mechanism: loss of function.

Submissions (2):

All of Us Research Program, National Institutes of Health
Classification: Pathogenic for Wilson disease. Last evaluated: 2024-02-05. Review status: criteria provided, single submitter. Criteria: ACMG Guidelines, 2015. Collection method: clinical testing. Allele origin: germline. Inheritance: Autosomal recessive inheritance. Observed: 1 variant allele, 1 heterozygote.
Comment: This variant deletes 1 nucleotide in exon 2 of the ATP7B gene, creating a frameshift and premature translation stop signal. This variant is expected to result in an absent or non-functional protein product. To our knowledge, this variant has not been reported in individuals affected with ATP7B-related disorders in the literature. This variant has not been identified in the general population by the Genome Aggregation Database (gnomAD). Loss of ATP7B function is a known mechanism of disease. Based on the available evidence, this variant is classified as Pathogenic.

This study involves interpretation of variants in research participants for the purpose of population health screening. Participant phenotype was not available at the time of variant classification. Additional details can be found in publication PMID: 35346344, PMCID: PMC8962531

Color Diagnostics, LLC DBA Color Health
Classification: Pathogenic for Wilson disease. Last evaluated: 2023-11-27. Review status: criteria provided, single submitter. Criteria: ACMG Guidelines, 2015. Collection method: clinical testing. Allele origin: germline.
Comment: This variant deletes 1 nucleotide in exon 2 of the ATP7B gene, creating a frameshift and premature translation stop signal. This variant is expected to result in an absent or non-functional protein product. To our knowledge, this variant has not been reported in individuals affected with ATP7B-related disorders in the literature. This variant has not been identified in the general population by the Genome Aggregation Database (gnomAD). Loss of ATP7B function is a known mechanism of disease. Based on the available evidence, this variant is classified as Pathogenic.

NM_000053.4(ATP7B):c.1161del (p.Gln388fs)

Gene: ATP7B (ATPase copper transporting beta; minus strand). Cytogenetic location: 13q14.3.
Variant type: Deletion.
Coding change: c.1161del on transcript NM_000053.4 (MANE Select); coding-DNA position 1161, one base deleted (G; older notation c.1161delG).
Protein change: p.Gln388fs; shifts the reading frame from glutamine 388.
Molecular consequence: frameshift variant.
Genome position (GRCh38, 1-based): chr13:51,974,059, C deleted on the plus strand (G on the coding strand, the reverse complement: ATP7B is on the minus strand). VCF-style (leftmost placement, unchanged base first): chr13-51974058-GC-G. GRCh37 (hg19) VCF-style: chr13-52548194-GC-G.
Other names: c.1161del, p.Gln388fs (NM_001005918.3, NM_001330578.2, NM_001330579.2 and 29 more transcripts); c.828del, p.Gln277fs (NM_001243182.2); c.1065del, p.Gln356fs (NM_001406517.1, NM_001406518.1, NM_001406530.1 and 3 more transcripts); c.732del, p.Gln245fs (NM_001406539.1); short protein forms Q245fs, Q277fs, Q356fs, Q388fs.
Identifiers: ClinVar variation 3075398 (VCV003075398.2), dbSNP rs2547814405, ClinGen allele CA2825002194.
Genomic context (GRCh38, chr13:51,974,058, plus strand): 5'-TTACAGAGGGATTATAAAGAACTGTTGCAGTCCCTTCGGCCAAAGACACCGATATTTGCT[GC>G]ACCCCTTCCAGTTGGGAGATCATGCCTTCAATGGAATGGACACAGGATGCACAGGTCATG-3'